The following is an entry in ClinVar:

ClinVar aggregate classification (germline): Pathogenic (1 of 4 stars; one submission).

Conditions:
Aortic valve disease 2 (AOVD2). Identifiers: MedGen C3542024, MONDO:0013902, OMIM 614823.

Submission:

Labcorp Genetics (formerly Invitae), Labcorp
Classification: Pathogenic for Aortic valve disease 2. Last evaluated: 2018-05-18. Review status: criteria provided, single submitter. Criteria: Invitae Variant Classification Sherloc (09022015). Collection method: clinical testing. Allele origin: germline.
Comment: For these reasons, this variant has been classified as Pathogenic. Loss-of-function variants in TBX5 are known to be pathogenic (PMID: 16183809, 16917909). This variant has not been reported in the literature in individuals with TBX5-related disease. This variant is not present in population databases (ExAC no frequency). This sequence change creates a premature translational stop signal (p.Met131Cysfs*19) in the TBX5 gene. It is expected to result in an absent or disrupted protein product.

Literature cited by the submitters: PubMed 16183809; PubMed 16917909.

NM_181486.4(TBX5):c.390del (p.Met131fs)

Gene: TBX5 (T-box transcription factor 5; minus strand). Cytogenetic location: 12q24.21.
Variant type: Deletion.
Coding change: c.390del on transcript NM_181486.4 (MANE Select); coding-DNA position 390, one base deleted (C; older notation c.390delC).
Protein change: p.Met131fs; shifts the reading frame from methionine 131.
Molecular consequence: frameshift variant.
Genome position (GRCh38, 1-based): chr12:114,398,693, G deleted on the plus strand (C on the coding strand, the reverse complement: TBX5 is on the minus strand); the first of 2 consecutive G bases (chr12:114,398,693-114,398,694); deleting either gives the same sequence. VCF-style (leftmost placement, unchanged base first): chr12-114398692-TG-T. GRCh37 (hg19) VCF-style: chr12-114836497-TG-T.
Other names: c.390del, p.Met131fs (NM_000192.3); c.240del, p.Met81fs (NM_080717.4); c.390delC (NM_000192.3); short protein forms M131fs, M81fs.
Identifiers: ClinVar variation 577533 (VCV000577533.6), dbSNP rs1565941046, ClinGen allele CA891843702.
Genomic context (GRCh38, chr12:114,398,692, plus strand): 5'-GCCTCATCCAATGCGCCCCGGTGGCGGGGGAGTCTGGGTGCACGTACAGGCGGCCAGGCA[TG>T]GCGGGCTCAGCTTTGCCCGTCACAGACCTAGATGAAGGAGAGGTGTACTAGAGGCCTGGC-3'